The following is an entry in ClinVar:

ClinVar aggregate classification (germline): Uncertain significance (1 of 4 stars; one submission).

Allele frequency attached by ClinVar (database versions not stated): gnomAD 0.00001; TOPMed 0.00001.
gnomAD v4.1: 3 of 1,613,788 alleles (0.00019%); highest among the groups gnomAD compares: Non-Finnish European, 0.00017%; no homozygotes.

Submission:

Labcorp Genetics (formerly Invitae), Labcorp
Classification: Uncertain significance. Last evaluated: 2026-01-02. Review status: criteria provided, single submitter. Criteria: Invitae Variant Classification Sherloc (09022015). Collection method: clinical testing. Allele origin: germline.
Comment: This sequence change replaces arginine, which is basic and polar, with serine, which is neutral and polar, at codon 972 of the NLRP1 protein (p.Arg972Ser). This variant is present in population databases (no rsID available, gnomAD 0.007%). This variant has not been reported in the literature in individuals affected with NLRP1-related conditions. ClinVar contains an entry for this variant (Variation ID: 2172532). An algorithm developed to predict the effect of missense changes on protein structure and function (PolyPhen-2) suggests that this variant is likely to be tolerated. In summary, the available evidence is currently insufficient to determine the role of this variant in disease. Therefore, it has been classified as a Variant of Uncertain Significance.

NM_033004.4(NLRP1):c.2916G>T (p.Arg972Ser)

Gene: NLRP1 (NLR family pyrin domain containing 1; minus strand). Cytogenetic location: 17p13.2.
Variant type: single nucleotide variant.
Coding change: c.2916G>T on transcript NM_033004.4 (MANE Select); coding-DNA position 2916, G replaced by T.
Protein change: p.Arg972Ser; replaces arginine 972 with serine.
Molecular consequence: missense variant. On other transcripts: intron variant (2).
Genome position (GRCh38, 1-based): chr17:5,536,895, C>A on the plus strand (G>T on the coding strand, the complement: NLRP1 is on the minus strand). VCF-style: chr17-5536895-C-A. GRCh37 (hg19) VCF-style: chr17-5440215-C-A.
Other names: c.2916G>T, p.Arg972Ser (NM_001033053.3, NM_014922.5); c.2870+2520G>T (NM_033007.4, NM_033006.4); short protein forms R972S.
Identifiers: ClinVar variation 2172532 (VCV002172532.4), dbSNP rs937049237, ClinGen allele CA287252480.